The following is an entry in ClinVar:

ClinVar aggregate classification (germline): Uncertain significance (1 of 4 stars; one submission).

Conditions:
Dyskeratosis congenita. Identifiers: Orphanet 1775, MedGen C0265965, MONDO:0015780.

Allele frequency attached by ClinVar (database versions not stated): 1000 Genomes Project 30x 0.00016; 1000 Genomes Project 0.00020.

Submission:

Labcorp Genetics (formerly Invitae), Labcorp
Classification: Uncertain significance for Dyskeratosis congenita. Last evaluated: 2022-11-13. Review status: criteria provided, single submitter. Criteria: Invitae Variant Classification Sherloc (09022015). Collection method: clinical testing. Allele origin: germline.
Comment: This sequence change replaces histidine, which is basic and polar, with glutamine, which is neutral and polar, at codon 228 of the TINF2 protein (p.His228Gln). This variant is present in population databases (rs370555134, gnomAD 0.007%). This variant has not been reported in the literature in individuals affected with TINF2-related conditions. ClinVar contains an entry for this variant (Variation ID: 653200). Algorithms developed to predict the effect of missense changes on protein structure and function output the following: SIFT: "Tolerated"; PolyPhen-2: "Benign"; Align-GVGD: "Class C0". The glutamine amino acid residue is found in multiple mammalian species, which suggests that this missense change does not adversely affect protein function. In summary, the available evidence is currently insufficient to determine the role of this variant in disease. Therefore, it has been classified as a Variant of Uncertain Significance.

NM_001099274.3(TINF2):c.684C>A (p.His228Gln)

Gene: TINF2 (TERF1 interacting nuclear factor 2; minus strand). Cytogenetic location: 14q12.
Variant type: single nucleotide variant.
Coding change: c.684C>A on transcript NM_001099274.3 (MANE Select); coding-DNA position 684, C replaced by A.
Protein change: p.His228Gln; replaces histidine 228 with glutamine.
Molecular consequence: missense variant.
Genome position (GRCh38, 1-based): chr14:24,240,796, G>T on the plus strand (C>A on the coding strand, the complement: TINF2 is on the minus strand). VCF-style: chr14-24240796-G-T. GRCh37 (hg19) VCF-style: chr14-24710002-G-T.
Other names: c.579C>A, p.His193Gln (NM_001363668.2); c.684C>A, p.His228Gln (NM_012461.3); short protein forms H193Q, H228Q.
Identifiers: ClinVar variation 653200 (VCV000653200.9), dbSNP rs370555134, ClinGen allele CA7130579.